The following is an entry in ClinVar:

NM_152383.5(DIS3L2):c.2051C>T (p.Ala684Val)

Gene: DIS3L2 (DIS3 like 3'-5' exoribonuclease 2; plus strand). Cytogenetic location: 2q37.1.
Variant type: single nucleotide variant.
Coding change: c.2051C>T on transcript NM_152383.5 (MANE Select); coding-DNA position 2051, C replaced by T.
Protein change: p.Ala684Val; replaces alanine 684 with valine.
Molecular consequence: missense variant. On other transcripts: non-coding transcript variant (2), intron variant (1).
Genome position (GRCh38, 1-based): chr2:232,333,880, C>T. VCF-style: chr2-232333880-C-T. GRCh37 (hg19) VCF-style: chr2-233198590-C-T.
Other names: c.1582-9465C>T (NM_001257281.2); short protein forms A684V.
Identifiers: ClinVar variation 569449 (VCV000569449.13), dbSNP rs781674022, ClinGen allele CA2164382.

ClinVar aggregate classification (germline): Uncertain significance. Review status: criteria provided, multiple submitters, no conflicts (2 of 4 stars). 2 submissions from 2 submitters: Uncertain significance (2). Last evaluated 2024-10-28.

Conditions:
Perlman syndrome (PRLMNS). Identifiers: Orphanet 2849, MedGen C0796113, MONDO:0009965, OMIM 267000.

Allele frequency attached by ClinVar (database versions not stated): TOPMed 0.00002.
gnomAD v4.1: 11 of 1,612,798 alleles (0.00068%); highest among the groups gnomAD compares: East Asian, 0.0045%; no homozygotes.

Submissions (2):

Labcorp Genetics (formerly Invitae), Labcorp
Classification: Uncertain significance for Perlman syndrome. Last evaluated: 2024-10-28. Review status: criteria provided, single submitter. Criteria: Invitae Variant Classification Sherloc (09022015). Collection method: clinical testing. Allele origin: germline.
Comment: This sequence change replaces alanine, which is neutral and non-polar, with valine, which is neutral and non-polar, at codon 684 of the DIS3L2 protein (p.Ala684Val). This variant is present in population databases (rs781674022, gnomAD 0.006%). This variant has not been reported in the literature in individuals affected with DIS3L2-related conditions. ClinVar contains an entry for this variant (Variation ID: 569449). Invitae Evidence Modeling of protein sequence and biophysical properties (such as structural, functional, and spatial information, amino acid conservation, physicochemical variation, residue mobility, and thermodynamic stability) indicates that this missense variant is not expected to disrupt DIS3L2 protein function with a negative predictive value of 80%. In summary, the available evidence is currently insufficient to determine the role of this variant in disease. Therefore, it has been classified as a Variant of Uncertain Significance.

Illumina Laboratory Services, Illumina
Classification: Uncertain significance for Perlman syndrome. Last evaluated: 2018-01-13. Review status: criteria provided, single submitter. Criteria: ICSL Variant Classification Criteria 13 December 2019. Collection method: clinical testing. Allele origin: germline.